The following is an entry in ClinVar:

ClinVar aggregate classification (germline): Pathogenic (1 of 4 stars; one submission).

Conditions:
Autoimmune lymphoproliferative syndrome type 2B. Also called: AUTOIMMUNE LYMPHOPROLIFERATIVE SYNDROME, TYPE IIB. Identifiers: Orphanet 275517, MedGen C1846545, MONDO:0011804, OMIM 607271.

Allele frequency attached by ClinVar (database versions not stated): gnomAD exomes below 0.00001; ExAC 0.00001.

Submission:

Labcorp Genetics (formerly Invitae), Labcorp
Classification: Pathogenic for Autoimmune lymphoproliferative syndrome type 2B. Last evaluated: 2025-07-27. Review status: criteria provided, single submitter. Criteria: Invitae Variant Classification Sherloc (09022015). Collection method: clinical testing. Allele origin: germline.
Comment: This sequence change creates a premature translational stop signal (p.Asn323Lysfs*31) in the CASP8 gene. It is expected to result in an absent or disrupted protein product. Loss-of-function variants in CASP8 are known to be pathogenic (PMID: 12353035, 25814141). This variant is present in population databases (rs760132764, gnomAD 0.01%). This variant has not been reported in the literature in individuals affected with CASP8-related conditions. ClinVar contains an entry for this variant (Variation ID: 2896117). For these reasons, this variant has been classified as Pathogenic.

Literature cited by the submitters: PubMed 12353035; PubMed 25814141.

NM_001372051.1(CASP8):c.918del (p.Asn306fs)

Gene: CASP8 (caspase 8; plus strand). Cytogenetic location: 2q33.1.
Variant type: Deletion.
Coding change: c.918del on transcript NM_001372051.1 (MANE Select); coding-DNA position 918, one base deleted (C; older notation c.918delC).
Protein change: p.Asn306fs; shifts the reading frame from asparagine 306.
Molecular consequence: frameshift variant. On other transcripts: non-coding transcript variant (22), intron variant (1).
Genome position (GRCh38, 1-based): chr2:201,284,931, C deleted. VCF-style (leftmost placement, unchanged base first): chr2-201284930-AC-A. GRCh37 (hg19) VCF-style: chr2-202149653-AC-A.
Other names: c.873del, p.Asn291fs (NM_001080124.2, NM_001400658.1, NM_001400659.1 and 5 more transcripts); c.1095del, p.Asn365fs (NM_001080125.2); c.969del, p.Asn323fs (NM_001228.5); c.1050del, p.Asn350fs (NM_001400642.1); c.951del, p.Asn317fs (NM_001400645.1); c.918del, p.Asn306fs (NM_001400648.1, NM_001400651.1, NM_001400653.1 and 5 more transcripts); c.849del, p.Asn283fs (NM_001400664.1); c.843del, p.Asn281fs (NM_001400665.1); and 7 more; short protein forms N101fs, N107fs, N306fs, N365fs, N203fs, N237fs, N283fs, N291fs.
Identifiers: ClinVar variation 2896117 (VCV002896117.3), dbSNP rs760132764, ClinGen allele CA2053719.